The following is an entry in ClinVar:

ClinVar aggregate classification (germline): Uncertain significance (1 of 4 stars; one submission).

gnomAD v4.1: 1 of 1,613,462 alleles (0.000062%); highest among the groups gnomAD compares: African/African-American, 0.0013%; no homozygotes.

Submission:

Labcorp Genetics (formerly Invitae), Labcorp
Classification: Uncertain significance. Last evaluated: 2025-06-27. Review status: criteria provided, single submitter. Criteria: Invitae Variant Classification Sherloc (09022015). Collection method: clinical testing. Allele origin: germline.
Comment: This sequence change replaces leucine, which is neutral and non-polar, with phenylalanine, which is neutral and non-polar, at codon 503 of the KDM1A protein (p.Leu503Phe). This variant is not present in population databases (gnomAD no frequency). This variant has not been reported in the literature in individuals affected with KDM1A-related conditions. Invitae Evidence Modeling of protein sequence and biophysical properties (such as structural, functional, and spatial information, amino acid conservation, physicochemical variation, residue mobility, and thermodynamic stability) indicates that this missense variant is not expected to disrupt KDM1A protein function with a negative predictive value of 80%. In summary, the available evidence is currently insufficient to determine the role of this variant in disease. Therefore, it has been classified as a Variant of Uncertain Significance.

NM_001009999.3(KDM1A):c.1509A>C (p.Leu503Phe)

Gene: KDM1A (lysine demethylase 1A; plus strand). Cytogenetic location: 1p36.12.
Variant type: single nucleotide variant.
Coding change: c.1509A>C on transcript NM_001009999.3 (MANE Select); coding-DNA position 1509, A replaced by C.
Protein change: p.Leu503Phe; replaces leucine 503 with phenylalanine.
Molecular consequence: missense variant.
Genome position (GRCh38, 1-based): chr1:23,071,320, A>C. VCF-style: chr1-23071320-A-C. GRCh37 (hg19) VCF-style: chr1-23397813-A-C.
Other names: c.1437A>C, p.Leu479Phe (NM_001363654.2, NM_001410763.1, NM_015013.4); c.1497A>C, p.Leu499Phe (NM_001410762.1); short protein forms L503F, L499F, L479F.
Identifiers: ClinVar variation 4724633 (VCV004724633.1).